The following is an entry in ClinVar:

ClinVar aggregate classification (germline): Likely pathogenic (1 of 4 stars; one submission).

Conditions:
Duchenne muscular dystrophy (DMD). Also called: Duchenne Muscular Dystrophy (DMD); MUSCULAR DYSTROPHY, PSEUDOHYPERTROPHIC PROGRESSIVE, DUCHENNE TYPE. Identifiers: Orphanet 98896, MedGen C0013264, MONDO:0010679, OMIM 310200.

Submission:

Labcorp Genetics (formerly Invitae), Labcorp
Classification: Likely pathogenic for Duchenne muscular dystrophy. Last evaluated: 2022-08-16. Review status: criteria provided, single submitter. Criteria: Invitae Variant Classification Sherloc (09022015). Collection method: clinical testing. Allele origin: germline.
Comment: In summary, the currently available evidence indicates that the variant is pathogenic, but additional data are needed to prove that conclusively. Therefore, this variant has been classified as Likely Pathogenic. Experimental studies and prediction algorithms are not available or were not evaluated, and the functional significance of this variant is currently unknown. A similar copy number variant has been observed in individual(s) with proximal weakness and calf hypertrophy (Invitae). This variant results in a copy number gain of the genomic region encompassing exon(s) 2-20 of the DMD gene. While the exact position of this variant cannot be determined from the data, sub-genic copy number gains are generally in tandem (PMID: 25640679). This variant is predicted to be out-of-frame, and may result in an absent or disrupted protein product. Loss-of-function variants in DMD are known to be pathogenic (PMID: 16770791, 25007885).

Literature cited by the submitters: PubMed 25640679; PubMed 16770791; PubMed 25007885.

NC_000023.10:g.(?_32509384)_(33038327_?)dup

Gene: DMD (dystrophin; minus strand). Cytogenetic location: Xp21.1.
Variant type: Duplication.
Identifiers: ClinVar variation 1511165 (VCV001511165.8).